The following is an entry in ClinVar:

NM_001013838.3(CARMIL2):c.4058C>A (p.Pro1353His)

Gene: CARMIL2 (capping protein regulator and myosin 1 linker 2; plus strand). Cytogenetic location: 16q22.1.
Variant type: single nucleotide variant.
Coding change: c.4058C>A on transcript NM_001013838.3 (MANE Select); coding-DNA position 4058, C replaced by A.
Protein change: p.Pro1353His; replaces proline 1353 with histidine.
Molecular consequence: missense variant. On other transcripts: intron variant (1).
Genome position (GRCh38, 1-based): chr16:67,656,822, C>A. VCF-style: chr16-67656822-C-A. GRCh37 (hg19) VCF-style: chr16-67690725-C-A.
Other names: c.3928+177C>A (NM_001317026.3); short protein forms P1353H.
Identifiers: ClinVar variation 2800999 (VCV002800999.1), dbSNP rs769313459, ClinGen allele CA396348928.

ClinVar aggregate classification (germline): Uncertain significance (1 of 4 stars; one submission).

Submission:

Labcorp Genetics (formerly Invitae), Labcorp
Classification: Uncertain significance. Last evaluated: 2023-09-13. Review status: criteria provided, single submitter. Criteria: Invitae Variant Classification Sherloc (09022015). Collection method: clinical testing. Allele origin: germline.
Comment: This sequence change replaces proline, which is neutral and non-polar, with histidine, which is basic and polar, at codon 1353 of the CARMIL2 protein (p.Pro1353His). The frequency data for this variant in the population databases is considered unreliable, as metrics indicate poor data quality at this position in the gnomAD database. This variant has not been reported in the literature in individuals affected with CARMIL2-related conditions. An algorithm developed to predict the effect of missense changes on protein structure and function (PolyPhen-2) suggests that this variant is likely to be disruptive. In summary, the available evidence is currently insufficient to determine the role of this variant in disease. Therefore, it has been classified as a Variant of Uncertain Significance.